The following is an entry in ClinVar:

NM_001206927.2(DNAH8):c.11342C>T (p.Pro3781Leu)

Genes: DNAH8 (dynein axonemal heavy chain 8; plus strand), DNAH8-AS1 (DNAH8 antisense RNA 1; minus strand). Cytogenetic location: 6p21.2.
Variant type: single nucleotide variant.
Coding change: c.11342C>T on transcript NM_001206927.2 (MANE Select); coding-DNA position 11342, C replaced by T.
Protein change: p.Pro3781Leu; replaces proline 3781 with leucine.
Molecular consequence: missense variant.
Genome position (GRCh38, 1-based): chr6:38,931,878, C>T. VCF-style: chr6-38931878-C-T. GRCh37 (hg19) VCF-style: chr6-38899654-C-T.
Other names: c.10691C>T, p.Pro3564Leu (NM_001371.4); short protein forms P3781L, P3564L.
Identifiers: ClinVar variation 1953574 (VCV001953574.5), dbSNP rs765589828, ClinGen allele CA3791020.

ClinVar aggregate classification (germline): Uncertain significance (1 of 4 stars; one submission).

Conditions:
Primary ciliary dyskinesia. Also called: Ciliary dyskinesia. Identifiers: Orphanet 244, MedGen C0008780, MONDO:0016575, HP:0012265.

Allele frequency attached by ClinVar (database versions not stated): ExAC 0.00001; gnomAD 0.00001.
gnomAD v4.1: 9 of 1,610,034 alleles (0.00056%); highest among the groups gnomAD compares: Non-Finnish European, 0.00076%; no homozygotes.

Submission:

Labcorp Genetics (formerly Invitae), Labcorp
Classification: Uncertain significance for Primary ciliary dyskinesia. Last evaluated: 2022-02-06. Review status: criteria provided, single submitter. Criteria: Invitae Variant Classification Sherloc (09022015). Collection method: clinical testing. Allele origin: germline.
Comment: In summary, the available evidence is currently insufficient to determine the role of this variant in disease. Therefore, it has been classified as a Variant of Uncertain Significance. Algorithms developed to predict the effect of missense changes on protein structure and function are either unavailable or do not agree on the potential impact of this missense change (SIFT: "Deleterious"; PolyPhen-2: "Not Available"; Align-GVGD: "Class C0"). This variant has not been reported in the literature in individuals affected with DNAH8-related conditions. This variant is present in population databases (rs765589828, gnomAD 0.003%). This sequence change replaces proline, which is neutral and non-polar, with leucine, which is neutral and non-polar, at codon 3781 of the DNAH8 protein (p.Pro3781Leu).